The following is an entry in ClinVar:

ClinVar aggregate classification (germline): Uncertain significance. Review status: criteria provided, multiple submitters, no conflicts (2 of 4 stars). 2 submissions from 2 submitters: Uncertain significance (2). Last evaluated 2024-12-24.

Conditions:
Inborn genetic diseases. Identifiers: MedGen C0950123, MeSH D030342.

Allele frequency attached by ClinVar (database versions not stated): ExAC 0.00005; ESP Exome Variant Server 0.00015; gnomAD exomes 0.00001; TOPMed 0.00003; gnomAD 0.00003.
gnomAD v4.1: 17 of 1,614,012 alleles (0.0011%); highest among the groups gnomAD compares: African/African-American, 0.0067%; no homozygotes.

Submissions (2):

Mayo Clinic Laboratories, Mayo Clinic
Classification: Uncertain significance. Last evaluated: 2024-12-24. Review status: criteria provided, single submitter. Criteria: ACMG Guidelines, 2015. Collection method: clinical testing. Allele origin: germline. Observed: 1 variant allele.
Comment: PM2_supporting

Ambry Genetics
Classification: Uncertain significance for Inborn genetic diseases. Last evaluated: 2021-07-06. Review status: criteria provided, single submitter. Criteria: Ambry Variant Classification Scheme 2023. Collection method: clinical testing. Allele origin: germline.

NM_212482.4(FN1):c.2465T>C (p.Val822Ala)

Gene: FN1 (fibronectin 1; minus strand). Cytogenetic location: 2q35.
Variant type: single nucleotide variant.
Coding change: c.2465T>C on transcript NM_212482.4 (MANE Select); coding-DNA position 2465, T replaced by C.
Protein change: p.Val822Ala; replaces valine 822 with alanine.
Molecular consequence: missense variant.
Genome position (GRCh38, 1-based): chr2:215,408,161, A>G on the plus strand (T>C on the coding strand, the complement: FN1 is on the minus strand). VCF-style: chr2-215408161-A-G. GRCh37 (hg19) VCF-style: chr2-216272884-A-G.
Other names: p.Val822Ala; c.2465T>C, p.Val822Ala (NM_001365521.2, NM_001365522.2, NM_001365523.2 and 13 more transcripts); c.2465T>C (NM_212482.3); short protein forms V822A.
Identifiers: ClinVar variation 2215722 (VCV002215722.4), dbSNP rs374082863, ClinGen allele CA2094967.